The following is an entry in ClinVar:

NM_001165963.4(SCN1A):c.3938A>C (p.Lys1313Thr)

Genes: SCN1A (sodium voltage-gated channel alpha subunit 1; minus strand), LOC102724058 (uncharacterized LOC102724058; plus strand). Cytogenetic location: 2q24.3.
Variant type: single nucleotide variant.
Coding change: c.3938A>C on transcript NM_001165963.4 (MANE Select); coding-DNA position 3938, A replaced by C.
Protein change: p.Lys1313Thr; replaces lysine 1313 with threonine.
Molecular consequence: missense variant. On other transcripts: non-coding transcript variant (1).
Genome position (GRCh38, 1-based): chr2:166,009,783, T>G on the plus strand (A>C on the coding strand, the complement: SCN1A is on the minus strand). VCF-style: chr2-166009783-T-G. GRCh37 (hg19) VCF-style: chr2-166866293-T-G.
Other names: c.3854A>C, p.Lys1285Thr (NM_001165964.3, NM_001353957.2, NM_001353958.2); c.3938A>C, p.Lys1313Thr (NM_001202435.3, NM_001353948.2); c.3905A>C, p.Lys1302Thr (NM_001353949.2, NM_001353950.2, NM_001353951.2 and 2 more transcripts); c.3902A>C, p.Lys1301Thr (NM_001353954.2, NM_001353955.2); c.3851A>C, p.Lys1284Thr (NM_001353960.2); c.1496A>C, p.Lys499Thr (NM_001353961.2); short protein forms K1302T, K1313T, K499T, K1285T, K1284T, K1301T.
Identifiers: ClinVar variation 421599 (VCV000421599.2), dbSNP rs1064795239, ClinGen allele CA16617296.

ClinVar aggregate classification (germline): Likely pathogenic (1 of 4 stars; one submission).

Submission:

GeneDx
Classification: Likely pathogenic. Last evaluated: 2016-07-12. Review status: criteria provided, single submitter. Criteria: GeneDx Variant Classification (06012015). Collection method: clinical testing. Allele origin: germline. Affected: yes.
Comment: The K1313T variant has not been published as a pathogenic variant, nor has it been reported as a benign variant to our knowledge; however, a different missense variant at the same position (K1313I) has been reported in association with Dravet syndrome (Lee et al., 2015). The K1313T variant was not observed in approximately 6,500 individuals of European and African American ancestry in the NHLBI Exome Sequencing Project, indicating it is not a common benign variant in these populations. This variant is a semi-conservative amino acid substitution, which may impact secondary protein structure as these residues differ in some properties. This substitution occurs at a conserved position in transmembrane segment S4 voltage sensor in the third homologous domain, and missense variants in nearby residues (E1308D; L1309F; R1316W/G/S; L1318R) have been reported in the Human Gene Mutation Database in association with SCN1A-related disorders (Stenson et al., 2014), supporting the functional importance of this region of the protein. Additionally, in silico analysis predicts the K1313T variant is probably damaging to the protein structure/function. Therefore, this variant is likely pathogenic; however, the possibility that it is benign cannot be excluded.